The following is an entry in ClinVar:

NM_000051.4(ATM):c.2907_2909del (p.Leu970del)

Gene: ATM (ATM serine/threonine kinase; plus strand). Cytogenetic location: 11q22.3.
Variant type: Deletion.
Coding change: c.2907_2909del on transcript NM_000051.4 (MANE Select); coding-DNA positions 2907 to 2909, 3 bases deleted (TCT; older notation c.2907_2909delTCT).
Protein change: p.Leu970del; deletes leucine 970.
Molecular consequence: inframe deletion.
Genome position (GRCh38, 1-based): chr11:108,271,132-108,271,134, TCT deleted; deleting any 3 consecutive bases within chr11:108,271,130-108,271,134 gives the same sequence; the c. name uses the placement nearest the transcript's 3' end. VCF-style (leftmost placement, unchanged base first): chr11-108271129-ACTT-A. GRCh37 (hg19) VCF-style: chr11-108141856-ACTT-A.
Other names: c.2907_2909del, p.Leu970del (NM_001351834.2); short protein forms L970del.
Identifiers: ClinVar variation 1359002 (VCV001359002.8), dbSNP rs2135548669, ClinGen allele CA2573146530.

ClinVar aggregate classification (germline): Uncertain significance (1 of 4 stars; one submission).

Conditions:
Ataxia-telangiectasia syndrome (AT). Also called: ATAXIA-TELANGIECTASIA, COMPLEMENTATION GROUP A; ATAXIA-TELANGIECTASIA, FRESNO VARIANT; Ataxia-telangiectasia; Ataxia-telangiectasia, complementation group D; Ataxia-telangiectasia, complementation group E; Ataxia telangiectasia (A-T). Identifiers: Orphanet 100, MedGen C0004135, MONDO:0008840, OMIM 208900.

Submission:

Labcorp Genetics (formerly Invitae), Labcorp
Classification: Uncertain significance for Ataxia-telangiectasia syndrome. Last evaluated: 2020-12-23. Review status: criteria provided, single submitter. Criteria: Invitae Variant Classification Sherloc (09022015). Collection method: clinical testing. Allele origin: germline.
Comment: This variant, c.2907_2909del, results in the deletion of 1 amino acid(s) of the ATM protein (p.Leu970del), but otherwise preserves the integrity of the reading frame. This variant is not present in population databases (ExAC no frequency). This variant has not been reported in the literature in individuals with ATM-related conditions. Experimental studies and prediction algorithms are not available or were not evaluated, and the functional significance of this variant is currently unknown. In summary, the available evidence is currently insufficient to determine the role of this variant in disease. Therefore, it has been classified as a Variant of Uncertain Significance.